The following is an entry in ClinVar:

NM_004380.3(CREBBP):c.5397G>A (p.Lys1799=)

Gene: CREBBP (CREB binding lysine acetyltransferase; minus strand). Cytogenetic location: 16p13.3.
Variant type: single nucleotide variant.
Coding change: c.5397G>A on transcript NM_004380.3 (MANE Select); coding-DNA position 5397, G replaced by A.
Protein change: p.Lys1799=; no amino-acid change (lysine 1799 retained).
Molecular consequence: synonymous variant.
Genome position (GRCh38, 1-based): chr16:3,729,650, C>T on the plus strand (G>A on the coding strand, the complement: CREBBP is on the minus strand). VCF-style: chr16-3729650-C-T. GRCh37 (hg19) VCF-style: chr16-3779651-C-T.
Other names: c.5283G>A, p.Lys1761= (NM_001079846.1).
Identifiers: ClinVar variation 4977898 (VCV004977898.1).
Genomic context (GRCh38, chr16:3,729,650, plus strand): 5'-GCACACCGGGCAGCCCCCGTTGGTCTTGCGTTTGCAGCCCTTGGTGTGCTGCACCACCCG[C>T]TTCATCTTCTGGCAGGATGGCAGCGAGCAGTTGGCGTTGCGGCACTGGCACGCGTGCACC-3'
Protein context (NP_004371.2, residues 1789-1809): NCSLPSCQKM[Lys1799=]RVVQHTKGCK

ClinVar aggregate classification (germline): Likely benign (1 of 4 stars; one submission).

Conditions:
CREBBP-related disorder. Also called: CREBBP-related condition; CREBBP-related disorders.

Submission:

PreventionGenetics, part of Exact Sciences
Classification: Likely benign for CREBBP-related condition. Last evaluated: 2026-06-29. Review status: criteria provided, single submitter. Criteria: ACMG Guidelines, 2015. Collection method: clinical testing. Allele origin: germline.
Comment: This variant is classified as likely benign based on ACMG/AMP sequence variant interpretation guidelines (Richards et al. 2015 PMID: 25741868, with internal and published modifications).